The following is an entry in ClinVar:

ClinVar aggregate classification (germline): Uncertain significance (1 of 4 stars; one submission).

Submission:

GeneDx
Classification: Uncertain significance. Last evaluated: 2024-11-03. Review status: criteria provided, single submitter. Criteria: GeneDx Variant Classification Process June 2021. Collection method: clinical testing. Allele origin: germline. Affected: yes.
Comment: Not observed at significant frequency in large population cohorts (gnomAD); In silico analysis supports that this missense variant has a deleterious effect on protein structure/function; Has not been previously published as pathogenic or benign to our knowledge

NM_001348323.3(TRIP12):c.382C>A (p.Pro128Thr)

Gene: TRIP12 (thyroid hormone receptor interactor 12; minus strand). Cytogenetic location: 2q36.3.
Variant type: single nucleotide variant.
Coding change: c.382C>A on transcript NM_001348323.3 (MANE Select); coding-DNA position 382, C replaced by A.
Protein change: p.Pro128Thr; replaces proline 128 with threonine.
Molecular consequence: missense variant. On other transcripts: intron variant (1).
Genome position (GRCh38, 1-based): chr2:229,859,417, G>T on the plus strand (C>A on the coding strand, the complement: TRIP12 is on the minus strand). VCF-style: chr2-229859417-G-T. GRCh37 (hg19) VCF-style: chr2-230724133-G-T.
Other names: c.382C>A, p.Pro128Thr (NM_001284214.2, NM_001348315.2, NM_001348319.1 and 15 more transcripts); c.256C>A, p.Pro86Thr (NM_001284215.2, NM_001348316.2, NM_001348317.1 and 3 more transcripts); c.98+20565C>A (NM_001284216.2); short protein forms P128T, P86T.
Identifiers: ClinVar variation 3897115 (VCV003897115.1).